The following is an entry in ClinVar:

ClinVar aggregate classification (germline): Pathogenic/Likely pathogenic. Review status: criteria provided, multiple submitters, no conflicts (2 of 4 stars). 6 submissions from 6 submitters: Pathogenic (3); Likely pathogenic (2). 1 of the submissions does not count toward it. Last evaluated 2023-07-26.

Conditions:
Optic atrophy. Identifiers: MedGen C0029124, MONDO:0003608, HP:0000648.
Autosomal dominant optic atrophy classic form (OPA1). Also called: Optic Atrophy Type 1; KJER-TYPE OPTIC ATROPHY; OPTIC ATROPHY, JUVENILE. Identifiers: Orphanet 98673, MedGen C0338508, MONDO:0008134, OMIM 165500.
OPA1-related disorder. Also called: OPA1-related condition; OPA1-related disorders.

Submissions (6):

PreventionGenetics, part of Exact Sciences
Classification: Likely pathogenic for OPA1-related condition. Last evaluated: 2023-07-26. Review status: criteria provided, single submitter. Criteria: ACMG Guidelines, 2015. Collection method: clinical testing. Allele origin: germline.
Comment: The OPA1 c.2779-9A>G variant is predicted to interfere with splicing. This variant has been reported in at least 2 individuals with optic atrophy (Table 2, Weisschuh et al. 2021. PubMed ID: 34242285; Schimpf. 2006. PubMed ID: 16323009; as c.2614-9A>G). This variant has not been reported in a large population database, indicating this variant is rare. This variant is predicted to abolish acceptor splice site (-66%; Alamut Visual Plus 1.6.1) and is assessed as likely pathogenic and pathogenic in ClinVar database. This variant is interpreted as likely pathogenic.

Institute of Human Genetics Munich, TUM University Hospital
Classification: Pathogenic for Autosomal dominant optic atrophy classic form. Last evaluated: 2023-03-14. Review status: criteria provided, single submitter. Criteria: Classification criteria August 2017. Collection method: clinical testing. Allele origin: germline. Inheritance: Autosomal dominant inheritance. Affected: yes. Observed: 1 variant allele.

Centre of Medical Genetics, University Hospital Muenster
Classification: Likely pathogenic for Autosomal dominant optic atrophy classic form. Last evaluated: 2022-08-04. Review status: criteria provided, single submitter. Criteria: ACMG Guidelines, 2015. Collection method: clinical testing. Allele origin: unknown. Affected: yes. Observed: 1 variant allele, 1 heterozygote.
Comment: ACMG categories: PM2,PM6,PP3,PP4,PP5

Blueprint Genetics
Classification: Pathogenic for OPA1-related disorders. Last evaluated: 2022-04-06. Review status: criteria provided, single submitter. Criteria: ACMG Guidelines, 2015. Collection method: clinical testing. Allele origin: germline. Affected: yes. Observed: 3 variant alleles.

CeGaT Center for Human Genetics Tuebingen
Classification: Pathogenic. Last evaluated: 2017-07-01. Review status: criteria provided, single submitter. Criteria: CeGaT Center For Human Genetics Tuebingen Variant Classification Criteria Version 2. Collection method: clinical testing. Allele origin: germline. Affected: yes. Observed: 1 variant allele.

Institute of Human Genetics, Univ. Regensburg, Univ. Regensburg
Classification: Pathogenic for Optic atrophy. Last evaluated: 2018-01-01. Review status: no assertion criteria provided. Criteria: ACMG Guidelines, 2015. Collection method: clinical testing. Allele origin: germline. Affected: yes. Not counted in ClinVar's aggregate classification.

NM_130837.3(OPA1):c.2779-9A>G

Gene: OPA1 (OPA1 mitochondrial dynamin like GTPase; plus strand). Cytogenetic location: 3q29.
Variant type: single nucleotide variant.
Coding change: c.2779-9A>G on transcript NM_130837.3 (MANE Select); 9 bases into the intron before coding-DNA position 2779, A replaced by G.
Molecular consequence: intron variant.
Genome position (GRCh38, 1-based): chr3:193,666,287, A>G. VCF-style: chr3-193666287-A-G. GRCh37 (hg19) VCF-style: chr3-193384076-A-G.
Other names: c.2242-9A>G (NM_001354664.2); c.2245-9A>G (NM_001354663.2); c.2668-9A>G (NM_130834.3); c.2725-9A>G (NM_130836.3); c.2614-9A>G (NM_015560.3); c.2671-9A>G (NM_130835.3); c.2560-9A>G (NM_130832.3); c.2617-9A>G (NM_130833.3); and 2 more.
Identifiers: ClinVar variation 871026 (VCV000871026.45), dbSNP rs1716524583, ClinGen allele CA1139655873.